The following is an entry in ClinVar:

NM_002890.3(RASA1):c.2422C>T (p.Gln808Ter)

Genes: CCNH (cyclin H; minus strand), RASA1 (RAS p21 protein activator 1; plus strand). Cytogenetic location: 5q14.3.
Variant type: single nucleotide variant.
Coding change: c.2422C>T on transcript NM_002890.3 (MANE Select); coding-DNA position 2422, C replaced by T.
Protein change: p.Gln808Ter; replaces glutamine 808 with a stop codon.
Molecular consequence: nonsense. On other transcripts: intron variant (1).
Genome position (GRCh38, 1-based): chr5:87,378,473, C>T. VCF-style: chr5-87378473-C-T. GRCh37 (hg19) VCF-style: chr5-86674290-C-T.
Other names: c.1891C>T, p.Gln631Ter (NM_022650.3); c.933+16571G>A (NM_001364075.2); short protein forms Q631*, Q808*.
Identifiers: ClinVar variation 1200888 (VCV001200888.7), dbSNP rs1396225514, ClinGen allele CA360382454.

ClinVar aggregate classification (germline): Pathogenic. Review status: criteria provided, multiple submitters, no conflicts (2 of 4 stars). 2 submissions from 2 submitters: Pathogenic (2). Last evaluated 2025-10-24.

Conditions:
Capillary malformation-arteriovenous malformation syndrome. Also called: Capillary malformation-arteriovenous malformation. Identifiers: Orphanet 137667, MedGen C1842180, MONDO:0012016.

Allele frequency attached by ClinVar (database versions not stated): gnomAD exomes below 0.00001.
gnomAD v4.1: 1 of 1,612,092 alleles (0.000062%); highest among the groups gnomAD compares: Non-Finnish European, 0.000085%; no homozygotes.

Submissions (2):

GeneDx
Classification: Pathogenic. Last evaluated: 2025-10-24. Review status: criteria provided, single submitter. Criteria: GeneDx Variant Classification Process June 2021. Collection method: clinical testing. Allele origin: germline. Affected: yes.
Comment: Nonsense variant predicted to result in protein truncation or nonsense mediated decay in a gene for which loss of function is a known mechanism of disease; Not observed at significant frequency in large population cohorts (gnomAD); This variant is associated with the following publications: (PMID: 25525159, 29171923, 30819650, 32776686, 24038909, 18446851)

Labcorp Genetics (formerly Invitae), Labcorp
Classification: Pathogenic for Capillary malformation-arteriovenous malformation syndrome. Last evaluated: 2024-05-12. Review status: criteria provided, single submitter. Criteria: Invitae Variant Classification Sherloc (09022015). Collection method: clinical testing. Allele origin: germline.
Comment: This sequence change creates a premature translational stop signal (p.Gln808*) in the RASA1 gene. It is expected to result in an absent or disrupted protein product. Loss-of-function variants in RASA1 are known to be pathogenic (PMID: 24038909). This variant is not present in population databases (gnomAD no frequency). This premature translational stop signal has been observed in individual(s) with RASA1-related conditions (PMID: 18446851). ClinVar contains an entry for this variant (Variation ID: 1200888). For these reasons, this variant has been classified as Pathogenic.

Literature cited by the submitters: PubMed 24038909 (cited by Labcorp Genetics (formerly Invitae), Labcorp); PubMed 18446851 (cited by Labcorp Genetics (formerly Invitae), Labcorp).